The following is an entry in ClinVar:

ClinVar aggregate classification (germline): Uncertain significance. Review status: criteria provided, single submitter (1 of 4 stars). 3 submissions from 3 submitters: Uncertain significance (1). 2 of the submissions do not count toward it. Last evaluated 2021-12-23.

Conditions:
Hereditary cancer-predisposing syndrome. Also called: Tumor predisposition; Hereditary neoplastic syndrome; Hereditary Cancer Syndrome; Neoplastic Syndromes, Hereditary. Identifiers: Orphanet 140162, MedGen C0027672, MeSH D009386, MONDO:0015356.

Submissions (3):

Ambry Genetics
Classification: Uncertain significance for Hereditary cancer-predisposing syndrome. Last evaluated: 2021-12-23. Review status: criteria provided, single submitter. Criteria: Ambry Variant Classification Scheme 2023. Collection method: clinical testing. Allele origin: germline.
Comment: The c.670G>C variant (also known as p.A224P), located in coding exon 8 of the BRCA1 gene, results from a G to C substitution at nucleotide position 670. The amino acid change results in alanine to proline at codon 224, an amino acid with highly similar properties. This change occurs in the last base pair of coding exon 8, which makes it likely to have some effect on normal mRNA splicing. However, a naturally occurring in-frame isoform of BRCA1 known as &Delta;9,10, lacking coding exons 7 and 8, is present in many healthy individuals (Colombo M et al. Hum Mol Genet. 2014; 23:3666-80), therefore the impact of splicing variants in this region is uncertain. This variant is considered to be rare based on population cohorts in the Genome Aggregation Database (gnomAD). An in-vitro study assessing resistance to cisplatin and olaparib described this variant as "neutral", however the validity of this assay for variants in this region has not been well-established (Bouwman P et al. Clin Cancer Res, 2020 09;26:4559-4568). This nucleotide position is highly conserved in available vertebrate species. In silico splice site analysis predicts that this alteration will weaken the native splice donor site, however, direct evidence is insufficient at this time (Ambry internal data). Since supporting evidence is limited at this time, the clinical significance of this alteration remains unclear.

Diagnostic Laboratory, Department of Genetics, University Medical Center Groningen
Classification: Uncertain significance. Review status: no assertion criteria provided. Collection method: clinical testing. Allele origin: germline. Affected: yes. Study: VKGL Data-share Consensus. Not counted in ClinVar's aggregate classification.

Joint Genome Diagnostic Labs from Nijmegen and Maastricht, Radboudumc and MUMC+
Classification: Uncertain significance. Review status: no assertion criteria provided. Collection method: clinical testing. Allele origin: germline. Affected: yes. Study: VKGL Data-share Consensus. Not counted in ClinVar's aggregate classification.

Literature cited by the submitters: PubMed 24569164 (cited by Ambry Genetics); PubMed 32546644 (cited by Ambry Genetics).

NM_007294.4(BRCA1):c.670G>C (p.Ala224Pro)

Gene: BRCA1 (BRCA1 DNA repair associated; minus strand). Cytogenetic location: 17q21.31.
Variant type: single nucleotide variant.
Coding change: c.670G>C on transcript NM_007294.4 (MANE Select); coding-DNA position 670, G replaced by C.
Protein change: p.Ala224Pro; replaces alanine 224 with proline.
Molecular consequence: missense variant. On other transcripts: non-coding transcript variant (1).
Genome position (GRCh38, 1-based): chr17:43,095,846, C>G on the plus strand (G>C on the coding strand, the complement: BRCA1 is on the minus strand). VCF-style: chr17-43095846-C-G. GRCh37 (hg19) VCF-style: chr17-41247863-C-G.
Other names: c.667G>C, p.Ala223Pro (NM_001408402.1, NM_001408407.1, NM_001407587.1 and 38 more transcripts); c.670G>C, p.Ala224Pro (NM_001408403.1, NM_001408404.1, NM_001408406.1 and 54 more transcripts); c.529G>C, p.Ala177Pro (NM_001408410.1, NM_001407692.1, NM_001407694.1 and 43 more transcripts); c.592G>C, p.Ala198Pro (NM_001408411.1, NM_001408409.1, NM_001407653.1 and 9 more transcripts); c.661G>C, p.Ala221Pro (NM_001408408.1, NM_001407646.1, NM_001407647.1); c.457G>C, p.Ala153Pro (NM_001407571.1, NM_001407853.1, NM_001407894.1 and 12 more transcripts); c.589G>C, p.Ala197Pro (NM_001407659.1, NM_001407660.1, NM_001407661.1 and 3 more transcripts); c.526G>C, p.Ala176Pro (NM_001407740.1, NM_001407741.1, NM_001407742.1 and 26 more transcripts); and 7 more; short protein forms A177P, A224P, A198P, G154R, G224R, A176P, A179P, A96P.
Identifiers: ClinVar variation 1175044 (VCV001175044.8), dbSNP rs431825419, ClinGen allele CA10600759.
Genomic context (GRCh38, chr17:43,095,846, plus strand): 5'-AGTACTGTATCTACCCACTCTCTTTTCAGTGCCTGTTAAGTTGGCAAACTTTGCCATTAC[C>G]CTTTTTTGCAGAATCCAAACTGATTTCATCCCTGGTTCCTTGAGGGGTGATTTGTAACAA-3'
Protein context (NP_009225.1, residues 214-234): DEISLDSAKK[Ala224Pro]ACEFSETDVT